The following is an entry in ClinVar:

ClinVar aggregate classification (germline): Uncertain significance. Review status: criteria provided, multiple submitters, no conflicts (2 of 4 stars). 2 submissions from 2 submitters: Uncertain significance (2). Last evaluated 2025-04-20.

Conditions:
Inborn genetic diseases. Identifiers: MedGen C0950123, MeSH D030342.

Allele frequency attached by ClinVar (database versions not stated): gnomAD 0.00001; TOPMed 0.00001.
gnomAD v4.1: 2 of 1,614,026 alleles (0.00012%); highest among the groups gnomAD compares: African/African-American, 0.0013%; no homozygotes.

Submissions (2):

Ambry Genetics
Classification: Uncertain significance for Inborn genetic diseases. Last evaluated: 2025-04-20. Review status: criteria provided, single submitter. Criteria: Ambry Variant Classification Scheme 2023. Collection method: clinical testing. Allele origin: germline.

GeneDx
Classification: Uncertain significance. Last evaluated: 2022-04-15. Review status: criteria provided, single submitter. Criteria: GeneDx Variant Classification Process June 2021. Collection method: clinical testing. Allele origin: germline. Affected: yes.
Comment: Not observed at significant frequency in large population cohorts (gnomAD); In silico analysis supports that this missense variant does not alter protein structure/function; Has not been previously published as pathogenic or benign to our knowledge

NM_001371533.1(FUT8):c.842T>C (p.Val281Ala)

Gene: FUT8 (fucosyltransferase 8; plus strand). Cytogenetic location: 14q23.3.
Variant type: single nucleotide variant.
Coding change: c.842T>C on transcript NM_001371533.1 (MANE Select); coding-DNA position 842, T replaced by C.
Protein change: p.Val281Ala; replaces valine 281 with alanine.
Molecular consequence: missense variant.
Genome position (GRCh38, 1-based): chr14:65,721,781, T>C. VCF-style: chr14-65721781-T-C. GRCh37 (hg19) VCF-style: chr14-66188499-T-C.
Other names: c.842T>C, p.Val281Ala (NM_001371534.1, NM_178155.3, NM_178156.2); c.944T>C, p.Val315Ala (NM_001371536.1); c.353T>C, p.Val118Ala (NM_004480.4); short protein forms V118A, V281A, V315A.
Identifiers: ClinVar variation 1710677 (VCV001710677.3), dbSNP rs1425278388, ClinGen allele CA390118996.